The following is an entry in ClinVar:

ClinVar aggregate classification (germline): Uncertain significance (1 of 4 stars; one submission).

Submission:

Women's Health and Genetics/Laboratory Corporation of America, LabCorp
Classification: Uncertain significance. Last evaluated: 2022-12-14. Review status: criteria provided, single submitter. Criteria: LabCorp Variant Classification Summary - May 2015. Collection method: clinical testing. Allele origin: germline.
Comment: Variant summary: AFG3L2 c.1780-9A>C alters a non-conserved nucleotide located close to a canonical splice site and therefore could affect mRNA splicing, leading to a significantly altered protein sequence. 4/4 computational tools predict no significant impact on normal splicing. However, these predictions have yet to be confirmed by functional studies. The variant was absent in 251430 control chromosomes. The available data on variant occurrences in the general population are insufficient to allow any conclusion about variant significance. To our knowledge, no occurrence of c.1780-9A>C in individuals affected with Spinocerebellar Ataxia Type 28 and no experimental evidence demonstrating its impact on protein function have been reported. No clinical diagnostic laboratories have submitted clinical-significance assessments for this variant to ClinVar after 2014. Based on the evidence outlined above, the variant was classified as uncertain significance.

NM_006796.3(AFG3L2):c.1780-9A>C

Gene: AFG3L2 (AFG3 like matrix AAA peptidase subunit 2; minus strand). Cytogenetic location: 18p11.21.
Variant type: single nucleotide variant.
Coding change: c.1780-9A>C on transcript NM_006796.3 (MANE Select); 9 bases into the intron before coding-DNA position 1780, A replaced by C.
Molecular consequence: intron variant.
Genome position (GRCh38, 1-based): chr18:12,340,410, T>G on the plus strand (A>C on the coding strand, the complement: AFG3L2 is on the minus strand). VCF-style: chr18-12340410-T-G. GRCh37 (hg19) VCF-style: chr18-12340409-T-G.
Identifiers: ClinVar variation 1878300 (VCV001878300.1), dbSNP rs1424191136, ClinGen allele CA2580095469.